The following is an entry in ClinVar:

NM_003873.7(NRP1):c.160T>C (p.Cys54Arg)

Gene: NRP1 (neuropilin 1; minus strand). Cytogenetic location: 10p11.22.
Variant type: single nucleotide variant.
Coding change: c.160T>C on transcript NM_003873.7 (MANE Select); coding-DNA position 160, T replaced by C.
Protein change: p.Cys54Arg; replaces cysteine 54 with arginine.
Molecular consequence: missense variant. On other transcripts: non-coding transcript variant (1).
Genome position (GRCh38, 1-based): chr10:33,330,796, A>G on the plus strand (T>C on the coding strand, the complement: NRP1 is on the minus strand). VCF-style: chr10-33330796-A-G. GRCh37 (hg19) VCF-style: chr10-33619724-A-G.
Other names: c.160T>C, p.Cys54Arg (NM_001024628.3, NM_001024629.3, NM_001244972.2 and 2 more transcripts); short protein forms C54R.
Identifiers: ClinVar variation 4987661 (VCV004987661.1).

ClinVar aggregate classification (germline): Uncertain significance (1 of 4 stars; one submission).

Conditions:
NRP1-related disorder. Also called: NRP1-related condition.

gnomAD v4.1: 3 of 1,613,728 alleles (0.00019%); highest among the groups gnomAD compares: Admixed American, 0.0033%; no homozygotes.

Submission:

PreventionGenetics, part of Exact Sciences
Classification: Uncertain significance for NRP1-related condition. Last evaluated: 2026-01-13. Review status: criteria provided, single submitter. Criteria: ACMG Guidelines, 2015. Collection method: clinical testing. Allele origin: germline.
Comment: The NRP1 c.160T>C variant is predicted to result in the amino acid substitution p.Cys54Arg. To our knowledge, this variant has not been reported in the literature. This variant is reported in 0.0058% of alleles in individuals of Latino descent in gnomAD. At this time, the clinical significance of this variant is uncertain due to the absence of conclusive functional and genetic evidence.